The following is an entry in ClinVar:

ClinVar aggregate classification (germline): Uncertain significance. Review status: criteria provided, multiple submitters, no conflicts (2 of 4 stars). 3 submissions from 3 submitters: Uncertain significance (3). Last evaluated 2024-12-11.

Conditions:
Gilbert syndrome. Also called: HYPERBILIRUBINEMIA, GILBERT TYPE; HYPERBILIRUBINEMIA I; HYPERBILIRUBINEMIA, ARIAS TYPE; Gilbert Disease; Gilbert's syndrome. Identifiers: MedGen C0017551, MONDO:0007745, OMIM 143500.
UGT1A1-related disorder. Also called: UGT1A1-related condition; UGT1A1-related disorders.

Allele frequency attached by ClinVar (database versions not stated): gnomAD 0.00001 and 0.00002; TOPMed 0.00001; gnomAD exomes 0.00002 and 0.00003; ExAC 0.00003.
gnomAD v4.1: 45 of 1,614,054 alleles (0.0028%); highest among the groups gnomAD compares: South Asian, 0.022%; 1 homozygote.

Submissions (3):

PreventionGenetics, part of Exact Sciences
Classification: Uncertain significance for UGT1A1-related condition. Last evaluated: 2024-12-11. Review status: criteria provided, single submitter. Criteria: ACMG Guidelines, 2015. Collection method: clinical testing. Allele origin: germline.
Comment: The UGT1A1 c.1075G>A variant is predicted to result in the amino acid substitution p.Asp359Asn. This variant has been reported in an individual with Gilbert syndrome (Farheen et al. 2006. PubMed ID: 16610035). This variant is reported in 0.016% of alleles in individuals of South Asian descent in gnomAD. At this time, the clinical significance of this variant is uncertain due to the absence of conclusive functional and genetic evidence.

ARUP Laboratories, Molecular Genetics and Genomics, ARUP Laboratories
Classification: Uncertain significance. Last evaluated: 2021-01-15. Review status: criteria provided, single submitter. Criteria: ARUP Molecular Germline Variant Investigation Process 2021. Collection method: clinical testing. Allele origin: germline.

Dubai Health Genomic Medicine Center, Dubai Health
Classification: Uncertain significance for Gilbert syndrome. Last evaluated: 2020-02-02. Review status: criteria provided, single submitter. Criteria: ACMG Guidelines, 2015. Collection method: clinical testing. Allele origin: germline. Affected: yes.
Comment: The p.Asp359Asn missense variant in UGT1A1 has been previously reported in the heterozygous state in one individual with Gilbert's syndrome (PMID: 16610035). It was also identified in 5/30616 (0.016% 1 homozygote) South Asian alleles in the Genome Aggregation Database (gnomAD). Computational prediction tools and conservation analysis suggest an impact to protein function however this information is not predictive enough to prove pathogenicity. In summary more information is needed to determine the clinical significance of this variant.

NM_000463.3(UGT1A1):c.1075G>A (p.Asp359Asn)

Genes: UGT1A (UDP glucuronosyltransferase family 1 member A complex locus; plus strand), UGT1A1 (UDP glucuronosyltransferase family 1 member A1; plus strand), UGT1A10 (UDP glucuronosyltransferase family 1 member A10; plus strand), UGT1A3 (UDP glucuronosyltransferase family 1 member A3; plus strand), UGT1A4 (UDP glucuronosyltransferase family 1 member A4; plus strand) and 5 more. Cytogenetic location: 2q37.1.
Variant type: single nucleotide variant.
Coding change: c.1075G>A on transcript NM_000463.3 (MANE Select); coding-DNA position 1075, G replaced by A.
Protein change: p.Asp359Asn; replaces aspartic acid 359 with asparagine.
Molecular consequence: missense variant.
Genome position (GRCh38, 1-based): chr2:233,767,927, G>A. VCF-style: chr2-233767927-G-A. GRCh37 (hg19) VCF-style: chr2-234676573-G-A.
Other names: c.1066G>A, p.Asp356Asn (NM_019075.4, NM_019076.5, NM_019077.3 and 1 more transcripts); c.1072G>A, p.Asp358Asn (NM_001072.4); c.1078G>A, p.Asp360Asn (NM_019093.4, NM_019078.2, NM_007120.3); c.271G>A, p.Asp91Asn (NM_205862.3); short protein forms D356N, D358N, D359N, D360N, D91N.
Identifiers: ClinVar variation 1301539 (VCV001301539.9), dbSNP rs267599273, ClinGen allele CA2179984.